The following is an entry in ClinVar:

NM_001042492.3(NF1):c.2410-3T>G

Gene: NF1 (neurofibromin 1; plus strand). Cytogenetic location: 17q11.2.
Variant type: single nucleotide variant.
Coding change: c.2410-3T>G on transcript NM_001042492.3 (MANE Select); 3 bases into the intron before coding-DNA position 2410, T replaced by G.
Molecular consequence: intron variant.
Genome position (GRCh38, 1-based): chr17:31,229,022, T>G. VCF-style: chr17-31229022-T-G. GRCh37 (hg19) VCF-style: chr17-29556040-T-G.
Other names: c.2410-3T>G (NM_000267.4).
Identifiers: ClinVar variation 816765 (VCV000816765.10), dbSNP rs1450743199, ClinGen allele CA645571270.
Genomic context (GRCh38, chr17:31,229,022, plus strand): 5'-AATTTGTCAAGTCTCAACTAATTAAGGTTTAATTCATGCTTTGCACAAAAATTTTGTGTT[T>G]AGGCTGCTGAAAGCCTTCACAAGACCATTGTTAAGAGGCGAATGTCCCATGTGAGTGGAG-3'

ClinVar aggregate classification (germline): Conflicting classifications of pathogenicity. Review status: criteria provided, conflicting classifications (1 of 4 stars). 4 submissions from 4 submitters: Pathogenic (1); Uncertain significance (3). Last evaluated 2024-09-23.

Conditions:
Neurofibromatosis, type 1 (NF1). Also called: Peripheral type neurofibromatosis; Neurofibromatosis, type I; NEUROFIBROMATOSIS, TYPE I, SOMATIC; VON RECKLINGHAUSEN DISEASE. Identifiers: Orphanet 636, MedGen C0027831, MONDO:0018975, OMIM 162200. Disease mechanism: loss of function.

Allele frequency attached by ClinVar (database versions not stated): gnomAD exomes below 0.00001; TOPMed below 0.00001.
gnomAD v4.1: 1 of 1,597,120 alleles (0.000063%); highest among the groups gnomAD compares: Non-Finnish European, 0.000086%; no homozygotes.

Submissions (4):

Quest Diagnostics Nichols Institute San Juan Capistrano
Classification: Uncertain significance. Last evaluated: 2024-09-23. Review status: criteria provided, single submitter. Criteria: Quest Diagnostics criteria. Collection method: clinical testing. Allele origin: unknown.
Comment: The NF1 c.2410-3T>G variant has been reported in the published literature in individuals with suspected neurofibromatosis type 1 (NF1) and described to result in aberrant splicing in the patient mRNA, although the proportion of affected transcript relative to the wild type was not specified (PMID: 32126153 (2020)). This variant has not been reported in large, multi-ethnic general populations (Genome Aggregation Database). Analysis of this variant using software algorithms for the prediction of the effect of nucleotide changes on splicing yielded predictions that this variant may affect proper NF1 mRNA splicing. Based on the available information, we are unable to determine the clinical significance of this variant.

GeneDx
Classification: Uncertain significance. Last evaluated: 2024-05-08. Review status: criteria provided, single submitter. Criteria: GeneDx Variant Classification Process June 2021. Collection method: clinical testing. Allele origin: germline. Affected: yes.
Comment: Observed in patients who had molecular testing for NF1 completed; however, clinical information was not provided (PMID: 32126153); Not observed at significant frequency in large population cohorts (gnomAD); Published functional studies found this variant is associated with aberrant splicing (PMID: 32126153); This variant is associated with the following publications: (PMID: 32126153)

Labcorp Genetics (formerly Invitae), Labcorp
Classification: Uncertain significance for Neurofibromatosis, type 1. Last evaluated: 2023-04-09. Review status: criteria provided, single submitter. Criteria: Invitae Variant Classification Sherloc (09022015). Collection method: clinical testing. Allele origin: germline.
Comment: In summary, the available evidence is currently insufficient to determine the role of this variant in disease. Therefore, it has been classified as a Variant of Uncertain Significance. Variants that disrupt the consensus splice site are a relatively common cause of aberrant splicing (PMID: 17576681, 9536098). Studies have shown that this variant results in activation of a cryptic splice site and introduces a premature termination codon (PMID: 32126153). The resulting mRNA is expected to undergo nonsense-mediated decay. ClinVar contains an entry for this variant (Variation ID: 816765). This variant has been observed in individual(s) with clinical features of neurofibromatosis type 1 (PMID: 32126153). This variant is not present in population databases (gnomAD no frequency). This sequence change falls in intron 20 of the NF1 gene. It does not directly change the encoded amino acid sequence of the NF1 protein. RNA analysis indicates that this variant induces altered splicing and may result in an absent or disrupted protein product.

UAB Medical Genomics Laboratory, UAB Medicine
Classification: Pathogenic for Neurofibromatosis, type 1. Last evaluated: 2020-01-20. Review status: criteria provided, single submitter. Criteria: ACMG Guidelines, 2015. Collection method: clinical testing. Allele origin: germline. Affected: yes.

Literature cited by the submitters: PubMed 32126153 (cited by 3 submitters); PubMed 17576681 (cited by Labcorp Genetics (formerly Invitae), Labcorp); PubMed 9536098 (cited by Labcorp Genetics (formerly Invitae), Labcorp).